The following is an entry in ClinVar:

NM_005633.4(SOS1):c.2606A>G (p.Asn869Ser)

Gene: SOS1 (SOS Ras/Rac guanine nucleotide exchange factor 1; minus strand). Cytogenetic location: 2p22.1.
Variant type: single nucleotide variant.
Coding change: c.2606A>G on transcript NM_005633.4 (MANE Select); coding-DNA position 2606, A replaced by G.
Protein change: p.Asn869Ser; replaces asparagine 869 with serine.
Molecular consequence: missense variant.
Genome position (GRCh38, 1-based): chr2:39,007,098, T>C on the plus strand (A>G on the coding strand, the complement: SOS1 is on the minus strand). VCF-style: chr2-39007098-T-C. GRCh37 (hg19) VCF-style: chr2-39234239-T-C.
Other names: p.N869S:AAT>AGT; c.2585A>G, p.Asn862Ser (NM_001382394.1); c.2606A>G, p.Asn869Ser (NM_001382395.1); short protein forms N869S, N862S.
Identifiers: ClinVar variation 181540 (VCV000181540.4), dbSNP rs730881030, ClinGen allele CA297219.
Genomic context (GRCh38, chr2:39,007,098, plus strand): 5'-GTGTGGTCTAGTCTGTAAACAGGTGATGAATTCATAGCACTGACAACCTCAAGGACACCA[T>C]TAAAGTTGTTCAACTCTTGAAAGACTTGTAGAATCTCAATAATTCGACTCACCACAGCTA-3'
Protein context (NP_005624.2, residues 859-879): LQVFQELNNF[Asn869Ser]GVLEVVSAMN

ClinVar aggregate classification (germline): Uncertain significance. Review status: criteria provided, multiple submitters, no conflicts (2 of 4 stars). 4 submissions from 3 submitters: Uncertain significance (4). Last evaluated 2024-01-31.

Conditions:
Noonan syndrome 4 (NS4). Also called: SOS1-Related Noonan Syndrome; NOONAN SYNDROME WITH PIGMENTED VILLONODULAR SYNOVITIS. Identifiers: Orphanet 648, MedGen C1853120, MONDO:0012547, OMIM 610733.
Fibromatosis, gingival, 1 (GINGF1). Identifiers: Orphanet 2024, MedGen C4551558, MONDO:0007609, OMIM 135300.

Allele frequency attached by ClinVar (database versions not stated): TOPMed below 0.00001; gnomAD 0.00001.

Submissions (4):

GeneDx
Classification: Uncertain significance. Last evaluated: 2024-01-31. Review status: criteria provided, single submitter. Criteria: GeneDx Variant Classification Process June 2021. Collection method: clinical testing. Allele origin: germline. Affected: yes.
Comment: Identified in a fetus with increased nuchal translucency, heart defect, pyelectasis, and polyhydramnios; however, familial segregation information was not provided (PMID: 30050098); Identified in a patient with a diagnosis of Noonan syndrome; however, additional clinical information and familial segregation information was not provided (PMID: 33318624); In silico analysis supports that this missense variant has a deleterious effect on protein structure/function; Missense variants in this gene are a common cause of disease and they are underrepresented in the general population; Not observed at significant frequency in large population cohorts (gnomAD); This variant is associated with the following publications: (PMID: 29907801, 33318624, 30050098)

Women's Health and Genetics/Laboratory Corporation of America, LabCorp
Classification: Uncertain significance. Last evaluated: 2016-08-01. Review status: criteria provided, single submitter. Criteria: LabCorp Variant Classification Summary - May 2015. Collection method: clinical testing. Allele origin: germline.
Comment: Variant summary: The SOS1 c.2606A>G (p.Asn869Ser) variant involves the alteration of a conserved nucleotide. 3/4 in silico tools predict a damaging outcome for this variant (SNPs&GO not captured due to low reliability index). Asn869 is conserved across vertebrates and is located in the Ras guanine-nucleotide exchange factors catalytic domain. However, this variant has not been evaluated for functional impact by in vivo/vitro studies. This variant was absent in 121324 control chromosomes and has not, to our knowledge, been reported in affected individuals via publications. In addition, one clinical diagnostic laboratory classified this variant as a variant of uncertain significance. Because of the absence of clinical information and the lack of functional studies, the variant is classified as a variant of uncertain significance (VUS) until additional information becomes available.

Genome-Nilou Lab
Classification: Uncertain significance for Noonan syndrome 4. Review status: criteria provided, single submitter. Criteria: ACMG Guidelines, 2015. Collection method: clinical testing. Allele origin: germline.

Genome-Nilou Lab
Classification: Uncertain significance for Fibromatosis, gingival, 1. Review status: criteria provided, single submitter. Criteria: ACMG Guidelines, 2015. Collection method: clinical testing. Allele origin: germline.